The following is an entry in ClinVar:

NM_003482.4(KMT2D):c.3650G>C (p.Ser1217Thr)

Genes: KMT2D (lysine methyltransferase 2D; minus strand), LOC126861520 (CDK7 strongly-dependent group 2 enhancer GRCh37_chr12:49442744-49443943; plus strand). Cytogenetic location: 12q13.12.
Variant type: single nucleotide variant.
Coding change: c.3650G>C on transcript NM_003482.4 (MANE Select); coding-DNA position 3650, G replaced by C.
Protein change: p.Ser1217Thr; replaces serine 1217 with threonine.
Molecular consequence: missense variant.
Genome position (GRCh38, 1-based): chr12:49,049,938, C>G on the plus strand (G>C on the coding strand, the complement: KMT2D is on the minus strand). VCF-style: chr12-49049938-C-G. GRCh37 (hg19) VCF-style: chr12-49443721-C-G.
Other names: short protein forms S1217T.
Identifiers: ClinVar variation 4085983 (VCV004085983.8).

ClinVar aggregate classification (germline): Uncertain significance (1 of 4 stars; one submission).

Submission:

CeGaT Center for Human Genetics Tuebingen
Classification: Uncertain significance. Last evaluated: 2025-08-01. Review status: criteria provided, single submitter. Criteria: CeGaT Center For Human Genetics Tuebingen Variant Classification Criteria Version 2. Collection method: clinical testing. Allele origin: germline. Affected: yes. Observed: 1 variant allele.
Comment: KMT2D: PM2